The following is an entry in ClinVar:

NM_003073.5(SMARCB1):c.867A>G (p.Ser289=)

Gene: SMARCB1 (SWI/SNF related BAF chromatin remodeling complex subunit B1; plus strand). Cytogenetic location: 22q11.23.
Variant type: single nucleotide variant.
Coding change: c.867A>G on transcript NM_003073.5 (MANE Select); coding-DNA position 867, A replaced by G.
Protein change: p.Ser289=; no amino-acid change (serine 289 retained).
Molecular consequence: synonymous variant.
Genome position (GRCh38, 1-based): chr22:23,825,296, A>G. VCF-style: chr22-23825296-A-G. GRCh37 (hg19) VCF-style: chr22-24167483-A-G.
Other names: c.840A>G, p.Ser280= (NM_001007468.3); c.894A>G, p.Ser298= (NM_001317946.2); c.921A>G, p.Ser307= (NM_001362877.2).
Identifiers: ClinVar variation 1626384 (VCV001626384.19), dbSNP rs1401472509, ClinGen allele CA513738955.

ClinVar aggregate classification (germline): Likely benign. Review status: criteria provided, multiple submitters, no conflicts (2 of 4 stars). 3 submissions from 3 submitters: Likely benign (3). Last evaluated 2025-09-08.

Conditions:
Hereditary cancer-predisposing syndrome. Also called: Hereditary Cancer Syndrome; Neoplastic Syndromes, Hereditary; Hereditary neoplastic syndrome; Tumor predisposition. Identifiers: Orphanet 140162, MedGen C0027672, MeSH D009386, MONDO:0015356.

Allele frequency attached by ClinVar (database versions not stated): gnomAD exomes below 0.00001; gnomAD 0.00002.

Submissions (3):

Labcorp Genetics (formerly Invitae), Labcorp
Classification: Likely benign. Last evaluated: 2025-09-08. Review status: criteria provided, single submitter. Criteria: Invitae Variant Classification Sherloc (09022015). Collection method: clinical testing. Allele origin: germline.

CeGaT Center for Human Genetics Tuebingen
Classification: Likely benign. Last evaluated: 2025-08-01. Review status: criteria provided, single submitter. Criteria: CeGaT Center For Human Genetics Tuebingen Variant Classification Criteria Version 2. Collection method: clinical testing. Allele origin: germline. Affected: yes. Observed: 1 variant allele.
Comment: SMARCB1: BP4, BP7

Ambry Genetics
Classification: Likely benign for Hereditary cancer-predisposing syndrome. Last evaluated: 2021-05-26. Review status: criteria provided, single submitter. Criteria: Ambry Variant Classification Scheme 2023. Collection method: clinical testing. Allele origin: germline.